The following is an entry in ClinVar:

ClinVar aggregate classification (germline): Pathogenic/Likely pathogenic. Review status: criteria provided, multiple submitters, no conflicts (2 of 4 stars). 4 submissions from 4 submitters: Pathogenic (2); Likely pathogenic (2). Last evaluated 2025-11-14.

Conditions:
Leukodystrophy, hypomyelinating, 8, with or without oligodontia and/or hypogonadotropic hypogonadism. Also called: LEUKODYSTROPHY, HYPOMYELINATING, 8, WITH HYPODONTIA AND HYPOGONADOTROPIC HYPOGONADISM; Hypomyelinating leukodystrophy 8 with or without oligodontia and-or hypogonadotropic hypogonadism; Endosteal sclerosis-cerebellar hypoplasia syndrome. Identifiers: Orphanet 85186, Orphanet 88637, MedGen C3280644, MONDO:0013722, OMIM 614381.
POLR3B-related disorder. Also called: POLR3B-related condition; POLR3B-related disorders. Identifiers: MedGen CN378588, MONDO:0700277.

Allele frequency attached by ClinVar (database versions not stated): gnomAD exomes 0.00001 and 0.00002; ExAC 0.00001; gnomAD 0.00001.
gnomAD v4.1: 12 of 1,591,422 alleles (0.00075%); highest among the groups gnomAD compares: Admixed American, 0.0017%; no homozygotes.

Submissions (4):

PreventionGenetics, part of Exact Sciences
Classification: Likely pathogenic for POLR3B-related condition. Last evaluated: 2025-11-14. Review status: criteria provided, single submitter. Criteria: ACMG Guidelines, 2015. Collection method: clinical testing. Allele origin: germline.
Comment: The POLR3B c.2104C>T variant is predicted to result in premature protein termination (p.Arg702*). This variant has been reported in the compound heterozygous state in an individual from a cohort with neuropediatric conditions (Table S6, van der Ven et al. 2021. PubMed ID: 34490615). This variant is present in 0.0039% of alleles in individuals of European (Non-Finnish) descent in gnomAD. Nonsense variants in POLR3B are an established mechanism of autosomal recessive disease. This variant is interpreted as likely pathogenic.

Broad Center for Mendelian Genomics, Broad Institute of MIT and Harvard
Classification: Likely pathogenic for Leukodystrophy, hypomyelinating, 8, with or without oligodontia and/or hypogonadotropic hypogonadism. Last evaluated: 2022-02-28. Review status: criteria provided, single submitter. Criteria: ACMG Guidelines, 2015. Collection method: curation. Allele origin: germline. Inheritance: Autosomal recessive inheritance.
Comment: The p.Arg702Ter variant in POLR3B has not been previously reported in the literature in individuals with 4H leukodystrophy but has been identified in 0.004% (5/128526) of European (non-Finnish) chromosomes by the Genome Aggregation Database (gnomAD; dbSNP ID: rs201401034). Although this variant has been seen in the general population in a heterozygous state, its frequency is low enough to be consistent with a recessive carrier frequency. This variant has also been reported in ClinVar (Variation ID#: 1211101) and has been interpreted as pathogenic by GeneDx. This nonsense variant leads to a premature termination codon at position 702, which is predicted to lead to a truncated or absent protein. Loss of function of the POLR3B gene is an established disease mechanism in autosomal recessive 4H leukodystrophy. In summary, although additional studies are required to fully establish its clinical significance, this variant is likely pathogenic for autosomal recessive 4H leukodystrophy. ACMG/AMP Criteria applied: PVS1, PM2 (Richards 2015).

Labcorp Genetics (formerly Invitae), Labcorp
Classification: Pathogenic. Last evaluated: 2021-11-16. Review status: criteria provided, single submitter. Criteria: Invitae Variant Classification Sherloc (09022015). Collection method: clinical testing. Allele origin: germline.
Comment: For these reasons, this variant has been classified as Pathogenic. ClinVar contains an entry for this variant (Variation ID: 1211101). This variant has not been reported in the literature in individuals affected with POLR3B-related conditions. This variant is present in population databases (rs201401034, gnomAD 0.004%). This sequence change creates a premature translational stop signal (p.Arg702*) in the POLR3B gene. It is expected to result in an absent or disrupted protein product. Loss-of-function variants in POLR3B are known to be pathogenic (PMID: 25339210).

GeneDx
Classification: Pathogenic. Last evaluated: 2020-02-21. Review status: criteria provided, single submitter. Criteria: GeneDx Variant Classification Process June 2021. Collection method: clinical testing. Allele origin: germline. Affected: yes.
Comment: Nonsense variant predicted to result in protein truncation or nonsense mediated decay in a gene for which loss-of-function is a known mechanism of disease; Not observed at a significant frequency in large population cohorts (Lek et al., 2016); Has not been previously published as pathogenic or benign to our knowledge

Literature cited by the submitters: PubMed 25339210 (cited by Labcorp Genetics (formerly Invitae), Labcorp).

NM_018082.6(POLR3B):c.2104C>T (p.Arg702Ter)

Gene: POLR3B (RNA polymerase III subunit B; plus strand). Cytogenetic location: 12q23.3.
Variant type: single nucleotide variant.
Coding change: c.2104C>T on transcript NM_018082.6 (MANE Select); coding-DNA position 2104, C replaced by T.
Protein change: p.Arg702Ter; replaces arginine 702 with a stop codon.
Molecular consequence: nonsense.
Genome position (GRCh38, 1-based): chr12:106,454,522, C>T. VCF-style: chr12-106454522-C-T. GRCh37 (hg19) VCF-style: chr12-106848300-C-T.
Other names: NM_018082.6(POLR3B):c.2104C>T; p.Arg702Ter; c.1930C>T, p.Arg644Ter (NM_001160708.2); short protein forms R644*, R702*.
Identifiers: ClinVar variation 1211101 (VCV001211101.10), dbSNP rs201401034, ClinGen allele CA6762127.